The following is an entry in ClinVar:

NM_006734.4(HIVEP2):c.2052A>T (p.Val684=)

Gene: HIVEP2 (HIVEP zinc finger 2; minus strand). Cytogenetic location: 6q24.2.
Variant type: single nucleotide variant.
Coding change: c.2052A>T on transcript NM_006734.4 (MANE Select); coding-DNA position 2052, A replaced by T.
Protein change: p.Val684=; no amino-acid change (valine 684 retained).
Molecular consequence: synonymous variant.
Genome position (GRCh38, 1-based): chr6:142,772,687, T>A on the plus strand (A>T on the coding strand, the complement: HIVEP2 is on the minus strand). VCF-style: chr6-142772687-T-A. GRCh37 (hg19) VCF-style: chr6-143093824-T-A.
Other names: c.2052A>T, p.Val684= (NM_001438449.1, NM_001438450.1, NM_001438451.1).
Identifiers: ClinVar variation 4821964 (VCV004821964.4).
Genomic context (GRCh38, chr6:142,772,687, plus strand): 5'-CCCTACGCTCTTCTCTTTCCGGCGTTTCCTGTTTTCACAGGTAGTTCCAAACATGCTTGG[T>A]ACTCCCTGCAATGGCACCACGGGATCCATGAAATATTCTCCACCATGCTTTAAAGAACTC-3'
Protein context (NP_006725.3, residues 674-694): FMDPVVPLQG[Val684=]PSMFGTTCEN

ClinVar aggregate classification (germline): Likely benign (1 of 4 stars; one submission).

Submission:

CeGaT Center for Human Genetics Tuebingen
Classification: Likely benign. Last evaluated: 2026-04-01. Review status: criteria provided, single submitter. Criteria: CeGaT Center For Human Genetics Tuebingen Variant Classification Criteria Version 2. Collection method: clinical testing. Allele origin: germline. Affected: yes. Observed: 1 variant allele.
Comment: HIVEP2: PM2:Supporting, BP4, BP7